The following is an entry in ClinVar:

ClinVar aggregate classification (germline): Uncertain significance (1 of 4 stars; one submission).

Conditions:
Dyskeratosis congenita, autosomal recessive 6 (DKCB6). Identifiers: MedGen C4225356, MONDO:0014600, OMIM 616353.
Pulmonary fibrosis and/or bone marrow failure, Telomere-related, 4. Also called: PULMONARY FIBROSIS AND/OR BONE MARROW FAILURE SYNDROME, TELOMERE-RELATED, 4. Identifiers: Orphanet 2032, MedGen C4225347, MONDO:0014612, OMIM 616371.

Submission:

Labcorp Genetics (formerly Invitae), Labcorp
Classification: Uncertain significance for Dyskeratosis congenita, autosomal recessive 6; Pulmonary fibrosis and/or bone marrow failure, Telomere-related, 4. Last evaluated: 2023-09-20. Review status: criteria provided, single submitter. Criteria: Invitae Variant Classification Sherloc (09022015). Collection method: clinical testing. Allele origin: germline.
Comment: This sequence change replaces glutamine, which is neutral and polar, with histidine, which is basic and polar, at codon 17 of the PARN protein (p.Gln17His). This variant is not present in population databases (gnomAD no frequency). This variant has not been reported in the literature in individuals affected with PARN-related conditions. Advanced modeling of protein sequence and biophysical properties (such as structural, functional, and spatial information, amino acid conservation, physicochemical variation, residue mobility, and thermodynamic stability) performed at Invitae indicates that this missense variant is not expected to disrupt PARN protein function. In summary, the available evidence is currently insufficient to determine the role of this variant in disease. Therefore, it has been classified as a Variant of Uncertain Significance.

NM_002582.4(PARN):c.51G>C (p.Gln17His)

Gene: PARN (poly(A)-specific ribonuclease; minus strand). Cytogenetic location: 16p13.12.
Variant type: single nucleotide variant.
Coding change: c.51G>C on transcript NM_002582.4 (MANE Select); coding-DNA position 51, G replaced by C.
Protein change: p.Gln17His; replaces glutamine 17 with histidine.
Molecular consequence: missense variant. On other transcripts: 5 prime UTR variant (1).
Genome position (GRCh38, 1-based): chr16:14,629,643, C>G on the plus strand (G>C on the coding strand, the complement: PARN is on the minus strand). VCF-style: chr16-14629643-C-G. GRCh37 (hg19) VCF-style: chr16-14723500-C-G.
Other names: c.-133G>C (NM_001134477.3); c.51G>C, p.Gln17His (NM_001242992.2); short protein forms Q17H.
Identifiers: ClinVar variation 2952096 (VCV002952096.3), dbSNP rs2508659844, ClinGen allele CA394818413.